The following is an entry in ClinVar:

ClinVar aggregate classification (germline): Uncertain significance. Review status: criteria provided, multiple submitters, no conflicts (2 of 4 stars). 3 submissions from 3 submitters: Uncertain significance (3). Last evaluated 2026-01-28.

Conditions:
Cardiovascular phenotype. Identifiers: MedGen CN230736.
Dilated cardiomyopathy 1DD (CMD1DD). Identifiers: Orphanet 154, MedGen C2750995, MONDO:0013168, OMIM 613172.

Allele frequency attached by ClinVar (database versions not stated): gnomAD exomes 0.00001; TOPMed 0.00001; gnomAD 0.00002 and 0.00003; ExAC 0.00005.
gnomAD v4.1: 17 of 1,551,552 alleles (0.0011%); highest among the groups gnomAD compares: Middle Eastern, 0.083%; no homozygotes.

Submissions (3):

Labcorp Genetics (formerly Invitae), Labcorp
Classification: Uncertain significance for Dilated cardiomyopathy 1DD. Last evaluated: 2026-01-28. Review status: criteria provided, single submitter. Criteria: Invitae Variant Classification Sherloc (09022015). Collection method: clinical testing. Allele origin: germline.
Comment: This sequence change replaces glycine, which is neutral and non-polar, with valine, which is neutral and non-polar, at codon 237 of the RBM20 protein (p.Gly237Val). This variant is not present in population databases (gnomAD no frequency). This variant has not been reported in the literature in individuals affected with RBM20-related conditions. ClinVar contains an entry for this variant (Variation ID: 411651). Invitae Evidence Modeling of protein sequence and biophysical properties (such as structural, functional, and spatial information, amino acid conservation, physicochemical variation, residue mobility, and thermodynamic stability) indicates that this missense variant is not expected to disrupt RBM20 protein function with a negative predictive value of 95%. In summary, the available evidence is currently insufficient to determine the role of this variant in disease. Therefore, it has been classified as a Variant of Uncertain Significance.

Ambry Genetics
Classification: Uncertain significance for Cardiovascular phenotype. Last evaluated: 2024-12-04. Review status: criteria provided, single submitter. Criteria: Ambry Variant Classification Scheme 2023. Collection method: clinical testing. Allele origin: germline.
Comment: The p.G237V variant (also known as c.710G>T), located in coding exon 2 of the RBM20 gene, results from a G to T substitution at nucleotide position 710. The glycine at codon 237 is replaced by valine, an amino acid with dissimilar properties. This amino acid position is not well conserved in available vertebrate species. In addition, this alteration is predicted to be tolerated by in silico analysis. Based on the available evidence, the clinical significance of this variant remains unclear.

Victorian Clinical Genetics Services, Murdoch Childrens Research Institute
Classification: Uncertain significance for Dilated cardiomyopathy 1DD. Last evaluated: 2022-02-02. Review status: criteria provided, single submitter. Criteria: ACMG Guidelines, 2015. Collection method: clinical testing. Allele origin: germline. Inheritance: Autosomal dominant inheritance. Affected: yes.
Comment: Based on the classification scheme VCGS_Germline_v1.3.4, this variant is classified as VUS-3B. Following criteria are met: 0102 - Loss of function is a known mechanism of disease in this gene and is associated with dilated cardiomyopathy, 1DD (MIM#613172). (I) 0107 - This gene is associated with autosomal dominant disease. (I) 0200 - Variant is predicted to result in a missense amino acid change from glycine to valine. (I) 0251 - This variant is heterozygous. (I) 0302 - Variant is present in gnomAD (v3) <0.001 for a dominant condition (4 heterozygotes, 0 homozygotes). (SP) 0502 - Missense variant with conflicting in silico predictions and uninformative conservation. (I) 0604 - Variant is not located in an established domain, motif, hotspot or informative constraint region. (I) 0705 - No comparable missense variants have previous evidence for pathogenicity. (I) 0809 - Previous evidence of pathogenicity for this variant is inconclusive. This variant has been classified once as a VUS (ClinVar). (I) 0905 - No published segregation evidence has been identified for this variant. (I) 1007 - No published functional evidence has been identified for this variant. (I) 1208 - Inheritance information for this variant is not currently available in this individual. (I) Legend: (SP) - Supporting pathogenic, (I) - Information, (SB) - Supporting benign

NM_001134363.3(RBM20):c.710G>T (p.Gly237Val)

Gene: RBM20 (RNA binding motif protein 20; plus strand). Cytogenetic location: 10q25.2.
Variant type: single nucleotide variant.
Coding change: c.710G>T on transcript NM_001134363.3 (MANE Select); coding-DNA position 710, G replaced by T.
Protein change: p.Gly237Val; replaces glycine 237 with valine.
Molecular consequence: missense variant.
Genome position (GRCh38, 1-based): chr10:110,781,319, G>T. VCF-style: chr10-110781319-G-T. GRCh37 (hg19) VCF-style: chr10-112541077-G-T.
Other names: short protein forms G237V.
Identifiers: ClinVar variation 411651 (VCV000411651.9), dbSNP rs761557813, ClinGen allele CA5688525.